The following is an entry in ClinVar:

NM_000136.3(FANCC):c.706A>G (p.Met236Val)

Genes: FANCC (FA complementation group C; minus strand), AOPEP (aminopeptidase O (putative); plus strand). Cytogenetic location: 9q22.32.
Variant type: single nucleotide variant.
Coding change: c.706A>G on transcript NM_000136.3 (MANE Select); coding-DNA position 706, A replaced by G.
Protein change: p.Met236Val; replaces methionine 236 with valine.
Molecular consequence: missense variant.
Genome position (GRCh38, 1-based): chr9:95,135,483, T>C on the plus strand (A>G on the coding strand, the complement: FANCC is on the minus strand). VCF-style: chr9-95135483-T-C. GRCh37 (hg19) VCF-style: chr9-97897765-T-C.
Other names: c.706A>G, p.Met236Val (NM_001243743.2, NM_001243744.2); short protein forms M236V.
Identifiers: ClinVar variation 234430 (VCV000234430.21), dbSNP rs771319430, ClinGen allele CA10577379.

ClinVar aggregate classification (germline): Uncertain significance. Review status: criteria provided, multiple submitters, no conflicts (2 of 4 stars). 5 submissions from 5 submitters: Uncertain significance (4). 1 of the submissions does not count toward it. Last evaluated 2025-11-15.

Conditions:
Hereditary cancer-predisposing syndrome. Also called: Hereditary neoplastic syndrome; Hereditary Cancer Syndrome; Neoplastic Syndromes, Hereditary; Tumor predisposition. Identifiers: Orphanet 140162, MedGen C0027672, MeSH D009386, MONDO:0015356.
Fanconi anemia (FA). Also called: Fanconi's anemia. Identifiers: Orphanet 84, MedGen C0015625, MeSH D005199, MONDO:0019391.

Allele frequency attached by ClinVar (database versions not stated): gnomAD 0.00001; TOPMed 0.00002.
gnomAD v4.1: 9 of 1,613,870 alleles (0.00056%); highest among the groups gnomAD compares: Admixed American, 0.0017%; no homozygotes.

Submissions (5):

Ambry Genetics
Classification: Uncertain significance for Hereditary cancer-predisposing syndrome. Last evaluated: 2025-11-15. Review status: criteria provided, single submitter. Criteria: Ambry Variant Classification Scheme 2023. Collection method: clinical testing. Allele origin: germline.
Comment: The p.M236V variant (also known as c.706A>G), located in coding exon 7 of the FANCC gene, results from an A to G substitution at nucleotide position 706. The methionine at codon 236 is replaced by valine, an amino acid with highly similar properties. This amino acid position is poorly conserved in available vertebrate species. In addition, this alteration is predicted to be tolerated by in silico analysis. Since supporting evidence is limited at this time, the clinical significance of this alteration remains unclear.

Labcorp Genetics (formerly Invitae), Labcorp
Classification: Uncertain significance for Fanconi anemia. Last evaluated: 2024-03-30. Review status: criteria provided, single submitter. Criteria: Invitae Variant Classification Sherloc (09022015). Collection method: clinical testing. Allele origin: germline.
Comment: This sequence change replaces methionine, which is neutral and non-polar, with valine, which is neutral and non-polar, at codon 236 of the FANCC protein (p.Met236Val). The frequency data for this variant in the population databases is considered unreliable, as metrics indicate poor data quality at this position in the gnomAD database. This variant has not been reported in the literature in individuals affected with FANCC-related conditions. ClinVar contains an entry for this variant (Variation ID: 234430). Advanced modeling of protein sequence and biophysical properties (such as structural, functional, and spatial information, amino acid conservation, physicochemical variation, residue mobility, and thermodynamic stability) performed at Invitae indicates that this missense variant is not expected to disrupt FANCC protein function with a negative predictive value of 80%. In summary, the available evidence is currently insufficient to determine the role of this variant in disease. Therefore, it has been classified as a Variant of Uncertain Significance.

St. Jude Molecular Pathology, St. Jude Children's Research Hospital
Classification: Uncertain significance for Fanconi anemia. Last evaluated: 2021-10-28. Review status: criteria provided, single submitter. Criteria: St. Jude Assertion Criteria 2020. Collection method: clinical testing. Allele origin: germline.
Comment: The FANCC c.706A>G (p.Met236Val) missense change has a maximum subpopulation frequency of 0.0029% in gnomAD v2.1.1 (PM2_supporting). Seven of seven in silico tools predict a benign effect of this variant on protein function (BP4), but these predictions have not been confirmed by functional studies. To our knowledge, this variant has not been reported in individuals with Fanconi anemia. In summary, this variant meets criteria to be classified as of uncertain significance based on the ACMG/AMP criteria: PM2_supporting, BP4

GeneDx
Classification: Uncertain significance. Last evaluated: 2019-09-16. Review status: criteria provided, single submitter. Criteria: GeneDx Variant Classification Process June 2021. Collection method: clinical testing. Allele origin: germline. Affected: yes.
Comment: Not observed at a significant frequency in large population cohorts (Lek et al., 2016); In silico analysis, which includes protein predictors and evolutionary conservation, supports that this variant does not alter protein structure/function; Has not been previously published as pathogenic or benign to our knowledge

Natera, Inc.
Classification: Uncertain significance for Fanconi anemia. Last evaluated: 2018-06-18. Review status: no assertion criteria provided. Collection method: clinical testing. Allele origin: germline. Not counted in ClinVar's aggregate classification.